The following is an entry in ClinVar:

ClinVar aggregate classification (germline): Benign/Likely benign. Review status: criteria provided, multiple submitters, no conflicts (2 of 4 stars). 3 submissions from 3 submitters: Benign (1); Likely benign (2). Last evaluated 2025-12-20.

Conditions:
Cerebral creatine deficiency syndrome. Also called: Creatine deficiency syndromes. Identifiers: Orphanet 79172, MedGen C5244016, MONDO:0000456.

Allele frequency attached by ClinVar (database versions not stated): gnomAD exomes 0.00002 and below 0.00001; TOPMed 0.00002; gnomAD 0.00003.
gnomAD v4.1: 28 of 1,607,840 alleles (0.0017%); highest among the groups gnomAD compares: Middle Eastern, 0.016%; no homozygotes.

Submissions (3):

Labcorp Genetics (formerly Invitae), Labcorp
Classification: Likely benign for Cerebral creatine deficiency syndrome. Last evaluated: 2025-12-20. Review status: criteria provided, single submitter. Criteria: Invitae Variant Classification Sherloc (09022015). Collection method: clinical testing. Allele origin: germline.

CeGaT Center for Human Genetics Tuebingen
Classification: Likely benign. Last evaluated: 2024-06-01. Review status: criteria provided, single submitter. Criteria: CeGaT Center For Human Genetics Tuebingen Variant Classification Criteria Version 2. Collection method: clinical testing. Allele origin: germline. Affected: yes. Observed: 1 variant allele.
Comment: GAMT: BP4, BP7

GeneDx
Classification: Benign. Last evaluated: 2014-09-03. Review status: criteria provided, single submitter. Criteria: GeneDx Variant Classification (06012015). Collection method: clinical testing. Allele origin: germline. Affected: yes.
Comment: This variant is considered likely benign or benign based on one or more of the following criteria: it is a conservative change, it occurs at a poorly conserved position in the protein, it is predicted to be benign by multiple in silico algorithms, and/or has population frequency not consistent with disease.

NM_000156.6(GAMT):c.600C>T (p.Ala200=)

Gene: GAMT (guanidinoacetate N-methyltransferase; minus strand). Cytogenetic location: 19p13.3.
Variant type: single nucleotide variant.
Coding change: c.600C>T on transcript NM_000156.6 (MANE Select); coding-DNA position 600, C replaced by T.
Protein change: p.Ala200=; no amino-acid change (alanine 200 retained).
Molecular consequence: synonymous variant.
Genome position (GRCh38, 1-based): chr19:1,397,470, G>A on the plus strand (C>T on the coding strand, the complement: GAMT is on the minus strand). VCF-style: chr19-1397470-G-A. GRCh37 (hg19) VCF-style: chr19-1397469-G-A.
Other names: p.A200A:GCC>GCT.
Identifiers: ClinVar variation 205568 (VCV000205568.26), dbSNP rs200679529, ClinGen allele CA314784.